The following is an entry in ClinVar:

ClinVar aggregate classification (germline): Conflicting classifications of pathogenicity. Review status: criteria provided, conflicting classifications (1 of 4 stars). 4 submissions from 4 submitters: Uncertain significance (1); Likely benign (2). 1 of the submissions does not count toward it. Last evaluated 2026-01-05.

Conditions:
Nephrolithiasis/nephrocalcinosis. Identifiers: MedGen CN580796.
CASR-related disorder. Also called: CASR-related condition.
Familial hypocalciuric hypercalcemia (FHH). Also called: Familial benign hypercalcemia. Identifiers: Orphanet 405, MedGen C1809471, MONDO:0018458.
Autosomal dominant hypocalcemia 1 (HYPOC1). Also called: HYPOCALCEMIA, FAMILIAL. Identifiers: MedGen C3715128, MONDO:0011013, OMIM 601198.
Epilepsy, idiopathic generalized, susceptibility to, 8. Identifiers: MedGen C2752062, MONDO:0013032, OMIM 612899.
Neonatal severe primary hyperparathyroidism. Identifiers: Orphanet 417, MedGen C1832615, MONDO:0009397, OMIM 239200.
Familial hypocalciuric hypercalcemia 1. Also called: Hypercalcemia, familial benign type 1. Identifiers: Orphanet 405, Orphanet 93372, MedGen C0342637, MONDO:0007791, OMIM 145980.

Allele frequency attached by ClinVar (database versions not stated): TOPMed 0.00003; gnomAD 0.00004; 1000 Genomes Project 30x 0.00016; 1000 Genomes Project 0.00020.
gnomAD v4.1: 15 of 1,614,176 alleles (0.00093%); highest among the groups gnomAD compares: African/African-American, 0.012%; no homozygotes.

Submissions (4):

Labcorp Genetics (formerly Invitae), Labcorp
Classification: Likely benign for Familial hypocalciuric hypercalcemia; Autosomal dominant hypocalcemia 1. Last evaluated: 2026-01-05. Review status: criteria provided, single submitter. Criteria: Invitae Variant Classification Sherloc (09022015). Collection method: clinical testing. Allele origin: germline.

Fulgent Genetics
Classification: Uncertain significance for Familial hypocalciuric hypercalcemia 1; Neonatal severe primary hyperparathyroidism; Autosomal dominant hypocalcemia 1; Epilepsy, idiopathic generalized, susceptibility to, 8. Last evaluated: 2024-04-20. Review status: criteria provided, single submitter. Criteria: ACMG Guidelines, 2015. Collection method: clinical testing. Allele origin: germline.

Ambry Genetics
Classification: Likely benign for Nephrolithiasis/nephrocalcinosis. Last evaluated: 2022-03-27. Review status: criteria provided, single submitter. Criteria: Ambry Variant Classification Scheme 2023. Collection method: clinical testing. Allele origin: germline.

PreventionGenetics, part of Exact Sciences
Classification: Likely benign for CASR-related condition. Last evaluated: 2019-12-26. Review status: no assertion criteria provided. Collection method: clinical testing. Allele origin: germline. Not counted in ClinVar's aggregate classification.
Comment: This variant is classified as likely benign based on ACMG/AMP sequence variant interpretation guidelines (Richards et al. 2015 PMID: 25741868, with internal and published modifications).

NM_000388.4(CASR):c.705C>A (p.Ile235=)

Gene: CASR (calcium sensing receptor; plus strand). Cytogenetic location: 3q21.1.
Variant type: single nucleotide variant.
Coding change: c.705C>A on transcript NM_000388.4 (MANE Select); coding-DNA position 705, C replaced by A.
Protein change: p.Ile235=; no amino-acid change (isoleucine 235 retained).
Molecular consequence: synonymous variant.
Genome position (GRCh38, 1-based): chr3:122,261,740, C>A. VCF-style: chr3-122261740-C-A. GRCh37 (hg19) VCF-style: chr3-121980587-C-A.
Other names: c.705C>A (NM_001178065.1); c.705C>A, p.Ile235= (NM_001178065.2).
Identifiers: ClinVar variation 463953 (VCV000463953.17), dbSNP rs199887150, ClinGen allele CA2569522.